The following is an entry in ClinVar:

ClinVar aggregate classification (germline): Conflicting classifications of pathogenicity. Review status: criteria provided, conflicting classifications (1 of 4 stars). 2 submissions from 2 submitters: Likely pathogenic (1); Uncertain significance (1). Last evaluated 2022-10-14.

Conditions:
Meckel-Gruber syndrome. Also called: DYSENCEPHALIA SPLANCHNOCYSTICA; GRUBER SYNDROME; Dysencephalia splachnocystica. Identifiers: Orphanet 564, MedGen C0265215, MONDO:0018921.
Joubert syndrome. Also called: JOUBERT-BOLTSHAUSER SYNDROME; Familial aplasia of the vermis. Identifiers: Orphanet 475, MedGen C5979921, MONDO:0018772.
TMEM67-related disorder. Also called: TMEM67-related disorders; TMEM67-related condition. Identifiers: MedGen CN239423.

Allele frequency attached by ClinVar (database versions not stated): TOPMed below 0.00001; ExAC 0.00001; gnomAD 0.00001; gnomAD exomes 0.00002.
gnomAD v4.1: 25 of 1,613,950 alleles (0.0015%); highest among the groups gnomAD compares: African/African-American, 0.0027%; no homozygotes.

Submissions (2):

PreventionGenetics, part of Exact Sciences
Classification: Likely pathogenic for TMEM67-related condition. Last evaluated: 2022-10-14. Review status: criteria provided, single submitter. Criteria: ACMG Guidelines, 2015. Collection method: clinical testing. Allele origin: germline.
Comment: The TMEM67 c.1338T>G variant is predicted to result in the amino acid substitution p.Asp446Glu. To our knowledge, this variant has not been reported in the literature. This variant has been observed in 2 out of ~282,000 alleles in the gnomAD database. A different substitution affecting the same amino acid (p.Asp446His) was reported in association with Meckel-Gruber syndrome (Khaddour et al. 2007. PubMed ID: 17397051). Taken together we classify the c.1338T>G (p.Asp446Glu) variant as likely pathogenic.

Labcorp Genetics (formerly Invitae), Labcorp
Classification: Uncertain significance for Joubert syndrome; Meckel-Gruber syndrome. Last evaluated: 2022-06-30. Review status: criteria provided, single submitter. Criteria: Invitae Variant Classification Sherloc (09022015). Collection method: clinical testing. Allele origin: germline.
Comment: Advanced modeling of protein sequence and biophysical properties (such as structural, functional, and spatial information, amino acid conservation, physicochemical variation, residue mobility, and thermodynamic stability) performed at Invitae indicates that this missense variant is expected to disrupt TMEM67 protein function. In summary, the available evidence is currently insufficient to determine the role of this variant in disease. Therefore, it has been classified as a Variant of Uncertain Significance. This variant has not been reported in the literature in individuals affected with TMEM67-related conditions. This sequence change replaces aspartic acid, which is acidic and polar, with glutamic acid, which is acidic and polar, at codon 446 of the TMEM67 protein (p.Asp446Glu). This variant is present in population databases (rs764380675, gnomAD 0.004%).

NM_153704.6(TMEM67):c.1338T>G (p.Asp446Glu)

Gene: TMEM67 (transmembrane protein 67; plus strand). Cytogenetic location: 8q22.1.
Variant type: single nucleotide variant.
Coding change: c.1338T>G on transcript NM_153704.6 (MANE Select); coding-DNA position 1338, T replaced by G.
Protein change: p.Asp446Glu; replaces aspartic acid 446 with glutamic acid.
Molecular consequence: missense variant. On other transcripts: non-coding transcript variant (1).
Genome position (GRCh38, 1-based): chr8:93,786,272, T>G. VCF-style: chr8-93786272-T-G. GRCh37 (hg19) VCF-style: chr8-94798500-T-G.
Other names: c.1095T>G, p.Asp365Glu (NM_001142301.1); short protein forms D365E, D446E.
Identifiers: ClinVar variation 1898534 (VCV001898534.6), dbSNP rs764380675, ClinGen allele CA4807933.
Genomic context (GRCh38, chr8:93,786,272, plus strand): 5'-TATAATAAAAGACAGCAACTCTGGAAAGTGGCTTCTAACTCGGCGCATTTTCTTAGTGGA[T>G]GCAGTAAGTGGACGAGAAAATGACTTAGGAACTCAGCCAAGAGTAATTCGAGTTGCTACT-3'
Protein context (NP_714915.3, residues 436-456): WLLTRRIFLV[Asp446Glu]AVSGRENDLG